The following is an entry in ClinVar:

ClinVar aggregate classification (germline): Uncertain significance (1 of 4 stars; one submission).

gnomAD v4.1: 11 of 1,612,060 alleles (0.00068%); highest among the groups gnomAD compares: African/African-American, 0.0027%; no homozygotes.

Submission:

GeneDx
Classification: Uncertain significance. Last evaluated: 2025-08-02. Review status: criteria provided, single submitter. Criteria: GeneDx Variant Classification Process June 2021. Collection method: clinical testing. Allele origin: germline. Affected: yes.
Comment: Not observed at significant frequency in large population cohorts (gnomAD); In silico analysis supports that this missense variant has a deleterious effect on protein structure/function; Has not been previously published as pathogenic or benign to our knowledge

NM_144498.4(OSBPL2):c.1115A>G (p.Asn372Ser)

Gene: OSBPL2 (oxysterol binding protein like 2; plus strand). Cytogenetic location: 20q13.33.
Variant type: single nucleotide variant.
Coding change: c.1115A>G on transcript NM_144498.4 (MANE Select); coding-DNA position 1115, A replaced by G.
Protein change: p.Asn372Ser; replaces asparagine 372 with serine.
Molecular consequence: missense variant.
Genome position (GRCh38, 1-based): chr20:62,286,701, A>G. VCF-style: chr20-62286701-A-G. GRCh37 (hg19) VCF-style: chr20-60861757-A-G.
Other names: c.839A>G, p.Asn280Ser (NM_001278649.3, NM_001363878.2); c.1079A>G, p.Asn360Ser (NM_014835.5); short protein forms N280S, N360S, N372S.
Identifiers: ClinVar variation 4690110 (VCV004690110.1).